The following is an entry in ClinVar:

NM_001012614.2(CTBP1):c.1168G>A (p.Val390Ile)

Genes: CTBP1 (C-terminal binding protein 1; minus strand), CTBP1-AS (CTBP1 antisense RNA; plus strand). Cytogenetic location: 4p16.3.
Variant type: single nucleotide variant.
Coding change: c.1168G>A on transcript NM_001012614.2 (MANE Select); coding-DNA position 1168, G replaced by A.
Protein change: p.Val390Ile; replaces valine 390 with isoleucine.
Molecular consequence: missense variant. On other transcripts: non-coding transcript variant (1).
Genome position (GRCh38, 1-based): chr4:1,212,362, C>T on the plus strand (G>A on the coding strand, the complement: CTBP1 is on the minus strand). VCF-style: chr4-1212362-C-T. GRCh37 (hg19) VCF-style: chr4-1206150-C-T.
Other names: c.1201G>A (NM_001328.2); c.1201G>A, p.Val401Ile (NM_001328.3); c.1204G>A, p.Val402Ile (NM_001377186.1); c.1171G>A, p.Val391Ile (NM_001377187.1, NM_001377188.1, NM_001377189.1 and 1 more transcripts); c.1168G>A, p.Val390Ile (NM_001377191.1, NM_001377192.1, NM_001377193.1); short protein forms V390I, V402I, V391I, V401I.
Identifiers: ClinVar variation 2155998 (VCV002155998.6), dbSNP rs899857673, ClinGen allele CA91157625.

ClinVar aggregate classification (germline): Uncertain significance. Review status: criteria provided, multiple submitters, no conflicts (2 of 4 stars). 2 submissions from 2 submitters: Uncertain significance (2). Last evaluated 2025-11-12.

Conditions:
Inborn genetic diseases. Identifiers: MedGen C0950123, MeSH D030342.

Allele frequency attached by ClinVar (database versions not stated): gnomAD exomes 0.00001; gnomAD 0.00006; TOPMed 0.00013.
gnomAD v4.1: 26 of 1,505,744 alleles (0.0017%); highest among the groups gnomAD compares: Admixed American, 0.022%; no homozygotes.

Submissions (2):

Ambry Genetics
Classification: Uncertain significance for Inborn genetic diseases. Last evaluated: 2025-11-12. Review status: criteria provided, single submitter. Criteria: Ambry Variant Classification Scheme 2023. Collection method: clinical testing. Allele origin: germline.

Labcorp Genetics (formerly Invitae), Labcorp
Classification: Uncertain significance. Last evaluated: 2022-11-26. Review status: criteria provided, single submitter. Criteria: Invitae Variant Classification Sherloc (09022015). Collection method: clinical testing. Allele origin: germline.
Comment: In summary, the available evidence is currently insufficient to determine the role of this variant in disease. Therefore, it has been classified as a Variant of Uncertain Significance. Algorithms developed to predict the effect of missense changes on protein structure and function (SIFT, PolyPhen-2, Align-GVGD) all suggest that this variant is likely to be tolerated. This variant has not been reported in the literature in individuals affected with CTBP1-related conditions. The frequency data for this variant in the population databases is considered unreliable, as metrics indicate poor data quality at this position in the gnomAD database. This sequence change replaces valine, which is neutral and non-polar, with isoleucine, which is neutral and non-polar, at codon 401 of the CTBP1 protein (p.Val401Ile).